The following is an entry in ClinVar:

NM_001130009.3(GEN1):c.118_121del (p.Thr40fs)

Gene: GEN1 (GEN1 structure-specific endonuclease; plus strand). Cytogenetic location: 2p24.2.
Variant type: Microsatellite.
Coding change: c.118_121del on transcript NM_001130009.3 (MANE Select); coding-DNA positions 118 to 121, 4 bases deleted (ACAG; older notation c.118_121delACAG).
Protein change: p.Thr40fs; shifts the reading frame from threonine 40.
Molecular consequence: frameshift variant.
Genome position (GRCh38, 1-based): chr2:17,760,061-17,760,064, ACAG deleted; deleting any 4 consecutive bases within chr2:17,760,057-17,760,064 gives the same sequence; the c. name uses the placement nearest the transcript's 3' end. VCF-style (leftmost placement, unchanged base first): chr2-17760056-CACAG-C. GRCh37 (hg19) VCF-style: chr2-17941323-CACAG-C.
Other names: c.118_121del, p.Thr40fs (NM_182625.5); short protein forms T40fs.
Identifiers: ClinVar variation 955915 (VCV000955915.7), dbSNP rs781056250, ClinGen allele CA1540310.
Genomic context (GRCh38, chr2:17,760,056, plus strand): 5'-CCTTGCGTAATCTTGGTGGGAAAACCATTGCAGTTGATCTGAGTCTCTGGGTGTGTGAGG[CACAG>C]ACAGTCAAAAAAATGATGGGCAGCGTCATGAAGCCCCACCTCAGGTATAGTAAAAGCTCT-3'

ClinVar aggregate classification (germline): Uncertain significance (1 of 4 stars; one submission).

Submission:

Labcorp Genetics (formerly Invitae), Labcorp
Classification: Uncertain significance. Last evaluated: 2021-10-01. Review status: criteria provided, single submitter. Criteria: Invitae Variant Classification Sherloc (09022015). Collection method: clinical testing. Allele origin: germline.
Comment: In summary, the available evidence is currently insufficient to determine the role of this variant in disease. Therefore, it has been classified as a Variant of Uncertain Significance. ClinVar contains an entry for this variant (Variation ID: 955915). This variant has not been reported in the literature in individuals affected with GEN1-related conditions. This variant is present in population databases (rs781056250, ExAC 0.006%). This sequence change creates a premature translational stop signal (p.Thr40Serfs*4) in the GEN1 gene. It is expected to result in an absent or disrupted protein product. However, the current clinical and genetic evidence is not sufficient to establish whether loss-of-function variants in GEN1 cause disease.